The following is an entry in ClinVar:

ClinVar aggregate classification (germline): Conflicting classifications of pathogenicity. Review status: criteria provided, conflicting classifications (1 of 4 stars). 4 submissions from 4 submitters: Uncertain significance (3); Likely benign (1). Last evaluated 2025-10-02.

Conditions:
Brugada syndrome. Also called: Sudden unexpected nocturnal death syndrome; Sudden Unexplained Death Syndrome; Sudden Unexplained Nocturnal Death Syndrome (SUNDS); Sudden unexplained nocturnal death syndrome. Identifiers: Orphanet 130, MedGen C1142166, MONDO:0015263.
Cardiovascular phenotype. Identifiers: MedGen CN230736.

Allele frequency attached by ClinVar (database versions not stated): TOPMed 0.00001; gnomAD 0.00005; gnomAD exomes 0.00006; ExAC 0.00007.
gnomAD v4.1: 91 of 1,614,060 alleles (0.0056%); highest among the groups gnomAD compares: Admixed American, 0.005%; no homozygotes.

Submissions (4):

Labcorp Genetics (formerly Invitae), Labcorp
Classification: Uncertain significance for Brugada syndrome. Last evaluated: 2025-10-02. Review status: criteria provided, single submitter. Criteria: Invitae Variant Classification Sherloc (09022015). Collection method: clinical testing. Allele origin: germline.
Comment: This sequence change replaces serine, which is neutral and polar, with threonine, which is neutral and polar, at codon 1280 of the SCN10A protein (p.Ser1280Thr). This variant is present in population databases (rs200324539, gnomAD 0.04%). This variant has not been reported in the literature in individuals affected with SCN10A-related conditions. ClinVar contains an entry for this variant (Variation ID: 809457). Invitae Evidence Modeling of protein sequence and biophysical properties (such as structural, functional, and spatial information, amino acid conservation, physicochemical variation, residue mobility, and thermodynamic stability) indicates that this missense variant is expected to disrupt SCN10A protein function with a positive predictive value of 80%. In summary, the available evidence is currently insufficient to determine the role of this variant in disease. Therefore, it has been classified as a Variant of Uncertain Significance.

Ambry Genetics
Classification: Likely benign for Cardiovascular phenotype. Last evaluated: 2022-07-07. Review status: criteria provided, single submitter. Criteria: Ambry Variant Classification Scheme 2023. Collection method: clinical testing. Allele origin: germline.

CeGaT Center for Human Genetics Tuebingen
Classification: Uncertain significance. Last evaluated: 2021-08-01. Review status: criteria provided, single submitter. Criteria: CeGaT Center For Human Genetics Tuebingen Variant Classification Criteria Version 2. Collection method: clinical testing. Allele origin: germline. Affected: yes. Observed: 2 variant alleles.

GeneDx
Classification: Uncertain significance. Last evaluated: 2020-02-20. Review status: criteria provided, single submitter. Criteria: GeneDx Variant Classification Process June 2021. Collection method: clinical testing. Allele origin: germline. Affected: yes.
Comment: Has not been previously published as pathogenic or benign to our knowledge; In silico analysis supports that this missense variant has a deleterious effect on protein structure/function

NM_006514.4(SCN10A):c.3838T>A (p.Ser1280Thr)

Gene: SCN10A (sodium voltage-gated channel alpha subunit 10; minus strand). Cytogenetic location: 3p22.2.
Variant type: single nucleotide variant.
Coding change: c.3838T>A on transcript NM_006514.4 (MANE Select); coding-DNA position 3838, T replaced by A.
Protein change: p.Ser1280Thr; replaces serine 1280 with threonine.
Molecular consequence: missense variant.
Genome position (GRCh38, 1-based): chr3:38,712,412, A>T on the plus strand (T>A on the coding strand, the complement: SCN10A is on the minus strand). VCF-style: chr3-38712412-A-T. GRCh37 (hg19) VCF-style: chr3-38753903-A-T.
Other names: c.3835T>A, p.Ser1279Thr (NM_001293306.2); c.3544T>A, p.Ser1182Thr (NM_001293307.2); short protein forms S1279T, S1280T, S1182T.
Identifiers: ClinVar variation 809457 (VCV000809457.49), dbSNP rs200324539, ClinGen allele CA2320083.
Genomic context (GRCh38, chr3:38,712,412, plus strand): 5'-CACCCATGATGCTGAAGATGAGCCAGAAGATGAGGCAGACGAGGAGGACATTCATGATGG[A>T]TGGGATGGCGCCCACCAGGGCATCCACCACCACCTGGTGGGAGATAGAGAAAGACCTGGA-3'
Protein context (NP_006505.4, residues 1270-1290): VVDALVGAIP[Ser1280Thr]IMNVLLVCLI